The following is an entry in ClinVar:

NM_001204.7(BMPR2):c.*6695C>T

Gene: BMPR2 (bone morphogenetic protein receptor type 2; plus strand). Cytogenetic location: 2q33.2.
Variant type: single nucleotide variant.
Coding change: c.*6695C>T on transcript NM_001204.7 (MANE Select); 6695 bases downstream of the stop codon, C replaced by T.
Molecular consequence: 3 prime UTR variant.
Genome position (GRCh38, 1-based): chr2:202,566,641, C>T. VCF-style: chr2-202566641-C-T. GRCh37 (hg19) VCF-style: chr2-203431364-C-T.
Other names: c.*6695C>T (LRG_712t1).
Identifiers: ClinVar variation 333722 (VCV000333722.5), dbSNP rs536814629, ClinGen allele CA10613667.
Genomic context (GRCh38, chr2:202,566,641, plus strand): 5'-ATATGGGACAAATTGTTTCATTTTGTTTGTTTTTTAATAAGGGAACTTGGTAAAGTAGTT[C>T]CTGTCAGATAGGATTTTCTCAAGAGACAATTTAACGTTATAAAGCCTTCTAAAAGTGAAC-3'

ClinVar aggregate classification (germline): Benign (1 of 4 stars; one submission).

Conditions:
Pulmonary hypertension, primary, 1 (PPH1). Also called: Pulmonary hypertension, familial primary, 1, with or without HHT. Identifiers: Orphanet 422, MedGen C4552070, MONDO:0024533, OMIM 178600.

Allele frequency attached by ClinVar (database versions not stated): gnomAD 0.00004 and 0.00040; 1000 Genomes Project 30x 0.00156; TOPMed 0.00009; 1000 Genomes Project 0.00200.

Submission:

Illumina Laboratory Services, Illumina
Classification: Benign for Pulmonary hypertension, primary, 1. Last evaluated: 2018-01-13. Review status: criteria provided, single submitter. Criteria: ICSL Variant Classification Criteria 13 December 2019. Collection method: clinical testing. Allele origin: germline.
Comment: This variant was observed in the ICSL laboratory as part of a predisposition screen in an ostensibly healthy population. It had not been previously curated by ICSL or reported in the Human Gene Mutation Database (HGMD: prior to June 1st, 2018), and was therefore a candidate for classification through an automated scoring system. Utilizing variant allele frequency, disease prevalence and penetrance estimates, and inheritance mode, an automated score was calculated to assess if this variant is too frequent to cause the disease. Based on the score and internal cut-off values, a variant classified as benign is not then subjected to further curation. The score for this variant resulted in a classification of benign for this disease.